The following is an entry in ClinVar:

NM_024757.5(EHMT1):c.877A>C (p.Met293Leu)

Gene: EHMT1 (euchromatic histone lysine methyltransferase 1; plus strand). Cytogenetic location: 9q34.3.
Variant type: single nucleotide variant.
Coding change: c.877A>C on transcript NM_024757.5 (MANE Select); coding-DNA position 877, A replaced by C.
Protein change: p.Met293Leu; replaces methionine 293 with leucine.
Molecular consequence: missense variant.
Genome position (GRCh38, 1-based): chr9:137,743,424, A>C. VCF-style: chr9-137743424-A-C. GRCh37 (hg19) VCF-style: chr9-140637876-A-C.
Other names: c.877A>C, p.Met293Leu (NM_001145527.2, NM_001354611.2); c.784A>C, p.Met262Leu (NM_001354259.2, NM_001354612.2); c.856A>C, p.Met286Leu (NM_001354263.2); short protein forms M262L, M286L, M293L.
Identifiers: ClinVar variation 1718538 (VCV001718538.6), dbSNP rs1180695378, ClinGen allele CA375777732.

ClinVar aggregate classification (germline): Uncertain significance (1 of 4 stars; one submission).

Conditions:
Kleefstra syndrome 1 (KLEFS1). Identifiers: Orphanet 261494, MedGen C0795833, MONDO:0027407, OMIM 610253.

Allele frequency attached by ClinVar (database versions not stated): gnomAD exomes below 0.00001.
gnomAD v4.1: 1 of 1,613,192 alleles (0.000062%); highest among the groups gnomAD compares: Admixed American, 0.0017%; no homozygotes.

Submission:

Labcorp Genetics (formerly Invitae), Labcorp
Classification: Uncertain significance for Kleefstra syndrome 1. Last evaluated: 2022-08-31. Review status: criteria provided, single submitter. Criteria: Invitae Variant Classification Sherloc (09022015). Collection method: clinical testing. Allele origin: germline.
Comment: This variant has not been reported in the literature in individuals affected with EHMT1-related conditions. In summary, the available evidence is currently insufficient to determine the role of this variant in disease. Therefore, it has been classified as a Variant of Uncertain Significance. Algorithms developed to predict the effect of missense changes on protein structure and function are either unavailable or do not agree on the potential impact of this missense change (SIFT: "Deleterious"; PolyPhen-2: "Possibly Damaging"; Align-GVGD: "Class C0"). This variant is present in population databases (no rsID available, gnomAD 0.003%). This sequence change replaces methionine, which is neutral and non-polar, with leucine, which is neutral and non-polar, at codon 293 of the EHMT1 protein (p.Met293Leu).